The following is an entry in ClinVar:

ClinVar aggregate classification (germline): Uncertain significance (1 of 4 stars; one submission).

Conditions:
Male infertility. Identifiers: MedGen C0021364, MeSH D007248, MONDO:0005372, HP:0003251.

Submission:

Institute of Reproductive Genetics, University of Münster
Classification: Uncertain significance for Male infertility. Last evaluated: 2025-12-02. Review status: criteria provided, single submitter. Criteria: Uk Practice Guidelines For Variant Classification V4 01 2020. Collection method: research. Allele origin: germline. Affected: yes. Observed: 1 variant allele.
Comment: The NM_001010870.3:c.1259A>G, is a missense variant in TDRD6 which results in the substitution of a tyrosine at position 420 by cysteine. It has been reported twice in a homozygous state in unrelated patients with OAT (PS4_mod) (PMID: 29551503, 34426522). This variant is rare in gnomAD (PM2_sup); version 4.1.1 and multiple lines of computational evidence support a deleterious effect on gene product (PP3). In summary, this variant meets criteria to be classified as variant of uncertain significance for male infertility based on the ACMG/ criteria applied, as specified by the UK Best Practice Guidelines for variant classification (PS4_mod, PM2_sup, PM3_sup, PP3).

NM_001010870.3(TDRD6):c.1259A>G (p.Tyr420Cys)

Gene: TDRD6 (tudor domain containing 6; plus strand). Cytogenetic location: 6p12.3.
Variant type: single nucleotide variant.
Coding change: c.1259A>G on transcript NM_001010870.3 (MANE Select); coding-DNA position 1259, A replaced by G.
Protein change: p.Tyr420Cys; replaces tyrosine 420 with cysteine.
Molecular consequence: missense variant.
Genome position (GRCh38, 1-based): chr6:46,689,387, A>G. VCF-style: chr6-46689387-A-G. GRCh37 (hg19) VCF-style: chr6-46657124-A-G.
Other names: c.1259A>G, p.Tyr420Cys (NM_001168359.2); short protein forms Y420C.
Identifiers: ClinVar variation 4533381 (VCV004533381.1).